The following is an entry in ClinVar:

ClinVar aggregate classification (germline): Uncertain significance (1 of 4 stars; one submission).

Allele frequency attached by ClinVar (database versions not stated): gnomAD exomes below 0.00001; TOPMed below 0.00001.
gnomAD v4.1: 1 of 1,602,352 alleles (0.000062%); highest among the groups gnomAD compares: Non-Finnish European, 0.000085%; no homozygotes.

Submission:

Labcorp Genetics (formerly Invitae), Labcorp
Classification: Uncertain significance. Last evaluated: 2023-08-28. Review status: criteria provided, single submitter. Criteria: Invitae Variant Classification Sherloc (09022015). Collection method: clinical testing. Allele origin: germline.
Comment: This sequence change replaces arginine, which is basic and polar, with histidine, which is basic and polar, at codon 1289 of the MAPK8IP3 protein (p.Arg1289His). This variant is not present in population databases (gnomAD no frequency). This variant has not been reported in the literature in individuals affected with MAPK8IP3-related conditions. An algorithm developed to predict the effect of missense changes on protein structure and function (PolyPhen-2) suggests that this variant is likely to be disruptive. In summary, the available evidence is currently insufficient to determine the role of this variant in disease. Therefore, it has been classified as a Variant of Uncertain Significance.

NM_001318852.2(MAPK8IP3):c.3887G>A (p.Arg1296His)

Genes: MAPK8IP3 (mitogen-activated protein kinase 8 interacting protein 3; plus strand), LOC130058179 (ATAC-STARR-seq lymphoblastoid active region 10235; plus strand). Cytogenetic location: 16p13.3.
Variant type: single nucleotide variant.
Coding change: c.3887G>A on transcript NM_001318852.2 (MANE Select); coding-DNA position 3887, G replaced by A.
Protein change: p.Arg1296His; replaces arginine 1296 with histidine.
Molecular consequence: missense variant.
Genome position (GRCh38, 1-based): chr16:1,768,621, G>A. VCF-style: chr16-1768621-G-A. GRCh37 (hg19) VCF-style: chr16-1818622-G-A.
Other names: c.3866G>A, p.Arg1289His (NM_001040439.2); c.3884G>A, p.Arg1295His (NM_015133.5, NM_033392.3); short protein forms R1289H, R1296H, R1295H.
Identifiers: ClinVar variation 2754761 (VCV002754761.3), dbSNP rs2042422646, ClinGen allele CA394239909.
Genomic context (GRCh38, chr16:1,768,621, plus strand): 5'-AGGGCCAGAAGCTGCGGAACGTGCTGGTGCTGAGCGGCGGGGAGGGCTACATCGACTTCC[G>A]CATTGGTGAGCGGGGCCCAGGGACAGGGCTGAGGTTGGGCGCGGGGGGAGCCTGGCCGTC-3'
Protein context (NP_001305781.1, residues 1286-1306): LSGGEGYIDF[Arg1296His]IGDGEDDETE